The following is an entry in ClinVar:

ClinVar aggregate classification (germline): Uncertain significance (0 of 4 stars; one submission).

Conditions:
Prostate cancer. Also called: Malignant tumor of prostate. Identifiers: Orphanet 1331, MedGen C0376358, MONDO:0008315, HP:0012125.

Submission:

Science for Life laboratory,  Karolinska Institutet
Classification: Uncertain significance for Malignant tumor of prostate. Review status: no assertion criteria provided. Collection method: not provided. Allele origin: somatic.
Comment: TumorID:SWE-6
ClinVar note: Converted during submission from Unknown to Uncertain significance.

NM_001378789.1(CERS3):c.609+7G>T

Gene: CERS3 (ceramide synthase 3; minus strand). Cytogenetic location: 15q26.3.
Variant type: single nucleotide variant.
Coding change: c.609+7G>T on transcript NM_001378789.1 (MANE Select); 7 bases into the intron after coding-DNA position 609, G replaced by T.
Molecular consequence: intron variant.
Genome position (GRCh38, 1-based): chr15:100,476,079, C>A on the plus strand (G>T on the coding strand, the complement: CERS3 is on the minus strand). VCF-style: chr15-100476079-C-A. GRCh37 (hg19) VCF-style: chr15-101016284-C-A.
Other names: c.609+7G>T (NM_178842.5, NM_001290343.2, NM_001290342.2); c.642+7G>T (NM_001290341.2).
Identifiers: ClinVar variation 161842 (VCV000161842.2), dbSNP rs193921020, ClinGen allele CA214738.